The following is an entry in ClinVar:

NM_030973.4(MED25):c.282dup (p.Val95fs)

Gene: MED25 (mediator complex subunit 25; plus strand). Cytogenetic location: 19q13.33.
Variant type: Duplication.
Coding change: c.282dup on transcript NM_030973.4 (MANE Select); coding-DNA position 282, one base duplicated (T; older notation c.282dupT).
Protein change: p.Val95fs; shifts the reading frame from valine 95.
Molecular consequence: frameshift variant.
Genome position (GRCh38, 1-based): chr19:49,819,273, T duplicated; the last of 3 consecutive T bases (chr19:49,819,271-49,819,273); duplicating any one gives the same sequence. VCF-style (leftmost placement, unchanged base first): chr19-49819270-G-GT. GRCh37 (hg19) VCF-style: chr19-50322527-G-GT.
Other names: c.282dup, p.Val95fs (NM_001378355.1); short protein forms V95fs.
Identifiers: ClinVar variation 1052587 (VCV001052587.7), dbSNP rs1568618345, ClinGen allele CA2499225544.
Genomic context (GRCh38, chr19:49,819,270, plus strand): 5'-AGTGGACTGCGCTCCCGAGTCCTACGTACAATGTCACGCTCCCACCAGCAGCGCCTATGA[G>GT]TTTGTCACCTGGCTCGATGGCATTAAGTGAGCTTTCCCCCACTTGGGGTGGGTTGCTGGT-3'

ClinVar aggregate classification (germline): Uncertain significance (1 of 4 stars; one submission).

Conditions:
Charcot-Marie-Tooth disease type 2. Also called: Charcot-Marie-Tooth type 2. Identifiers: Orphanet 64746, MedGen C0270914, MONDO:0018993.

Submission:

Labcorp Genetics (formerly Invitae), Labcorp
Classification: Uncertain significance for Charcot-Marie-Tooth disease type 2. Last evaluated: 2020-09-01. Review status: criteria provided, single submitter. Criteria: Invitae Variant Classification Sherloc (09022015). Collection method: clinical testing. Allele origin: germline.
Comment: This sequence change creates a premature translational stop signal (p.Val95Cysfs*8) in the MED25 gene. It is expected to result in an absent or disrupted protein product. This variant is not present in population databases (ExAC no frequency). This variant has not been reported in the literature in individuals with MED25-related conditions. The current clinical and genetic evidence is not sufficient to establish whether loss-of-function variants in MED25 cause disease. In summary, the available evidence is currently insufficient to determine the role of this variant in disease. Therefore, it has been classified as a Variant of Uncertain Significance.